The following is an entry in ClinVar:

NM_001267550.2(TTN):c.105286T>A (p.Tyr35096Asn)

Genes: TTN (titin; minus strand), TTN-AS1 (TTN antisense RNA 1; plus strand). Cytogenetic location: 2q31.2.
Variant type: single nucleotide variant.
Coding change: c.105286T>A on transcript NM_001267550.2 (MANE Select); coding-DNA position 105286, T replaced by A.
Protein change: p.Tyr35096Asn; replaces tyrosine 35096 with asparagine.
Molecular consequence: missense variant.
Genome position (GRCh38, 1-based): chr2:178,531,329, A>T on the plus strand (T>A on the coding strand, the complement: TTN is on the minus strand). VCF-style: chr2-178531329-A-T. GRCh37 (hg19) VCF-style: chr2-179396056-A-T.
Other names: c.100363T>A, p.Tyr33455Asn (NM_001256850.1); c.78091T>A, p.Tyr26031Asn (NM_003319.4); c.97582T>A, p.Tyr32528Asn (NM_133378.4); c.78466T>A, p.Tyr26156Asn (NM_133432.3); c.78667T>A, p.Tyr26223Asn (NM_133437.4); short protein forms Y26031N, Y26223N, Y32528N, Y33455N, Y26156N, Y35096N.
Identifiers: ClinVar variation 2930912 (VCV002930912.3), dbSNP rs1367870650, ClinGen allele CA349409093.

ClinVar aggregate classification (germline): Uncertain significance (1 of 4 stars; one submission).

Conditions:
Dilated cardiomyopathy 1G (CMD1G). Identifiers: Orphanet 154, MedGen C1858763, MONDO:0011400, OMIM 604145.
Autosomal recessive limb-girdle muscular dystrophy type 2J (LGMDR10). Also called: MUSCULAR DYSTROPHY, LIMB-GIRDLE, AUTOSOMAL RECESSIVE 10; Limb-girdle muscular dystrophy, type 2J. Identifiers: Orphanet 140922, MedGen C1837342, MONDO:0012127, OMIM 608807.

Allele frequency attached by ClinVar (database versions not stated): gnomAD exomes below 0.00001; gnomAD 0.00001.
gnomAD v4.1: 2 of 1,613,898 alleles (0.00012%); highest among the groups gnomAD compares: East Asian, 0.0045%; no homozygotes.

Submission:

Labcorp Genetics (formerly Invitae), Labcorp
Classification: Uncertain significance for Dilated cardiomyopathy 1G; Autosomal recessive limb-girdle muscular dystrophy type 2J. Last evaluated: 2025-02-20. Review status: criteria provided, single submitter. Criteria: Invitae Variant Classification Sherloc (09022015). Collection method: clinical testing. Allele origin: germline.
Comment: This sequence change replaces tyrosine, which is neutral and polar, with asparagine, which is neutral and polar, at codon 35096 of the TTN protein (p.Tyr35096Asn). This variant is present in population databases (no rsID available, gnomAD 0.01%). This variant has not been reported in the literature in individuals affected with TTN-related conditions. ClinVar contains an entry for this variant (Variation ID: 2930912). Experimental studies and prediction algorithms are not available or were not evaluated, and the functional significance of this variant is currently unknown. This variant is located in the M band of TTN (PMID: 25589632). Non-truncating variants in this region may be relevant for neuromuscular disorders, but have not been definitively shown to cause cardiomyopathy (PMID: 23975875). In summary, the available evidence is currently insufficient to determine the role of this variant in disease. Therefore, it has been classified as a Variant of Uncertain Significance.

Literature cited by the submitters: PubMed 25589632; PubMed 23975875.